The following is an entry in ClinVar:

ClinVar aggregate classification (germline): Pathogenic (1 of 4 stars; one submission).

Conditions:
Hereditary fructosuria. Also called: Hereditary fructose intolerance; Fructose intolerance; ALDOB DEFICIENCY; ALDOLASE B DEFICIENCY; FRUCTOSE-1,6-BISPHOSPHATE ALDOLASE B DEFICIENCY; FRUCTOSE-1-PHOSPHATE ALDOLASE DEFICIENCY. Identifiers: Orphanet 469, MedGen C0016751, MONDO:0009249, OMIM 229600, HP:0005973. Disease mechanism: loss of function.

Submission:

Labcorp Genetics (formerly Invitae), Labcorp
Classification: Pathogenic for Hereditary fructosuria. Last evaluated: 2021-08-14. Review status: criteria provided, single submitter. Criteria: Invitae Variant Classification Sherloc (09022015). Collection method: clinical testing. Allele origin: germline.
Comment: This variant has not been reported in the literature in individuals affected with ALDOB-related conditions. This variant is not present in population databases (ExAC no frequency). This sequence change creates a premature translational stop signal (p.Val143Leufs*10) in the ALDOB gene. It is expected to result in an absent or disrupted protein product. Loss-of-function variants in ALDOB are known to be pathogenic (PMID: 18541450). For these reasons, this variant has been classified as Pathogenic.

Literature cited by the submitters: PubMed 18541450.

NM_000035.4(ALDOB):c.427del (p.Val143fs)

Gene: ALDOB (aldolase, fructose-bisphosphate B; minus strand). Cytogenetic location: 9q31.1.
Variant type: Deletion.
Coding change: c.427del on transcript NM_000035.4 (MANE Select); coding-DNA position 427, one base deleted (G; older notation c.427delG).
Protein change: p.Val143fs; shifts the reading frame from valine 143.
Molecular consequence: frameshift variant.
Genome position (GRCh38, 1-based): chr9:101,427,595, C deleted on the plus strand (G on the coding strand, the reverse complement: ALDOB is on the minus strand). VCF-style (leftmost placement, unchanged base first): chr9-101427594-AC-A. GRCh37 (hg19) VCF-style: chr9-104189876-AC-A.
Other names: short protein forms V143fs.
Identifiers: ClinVar variation 1456001 (VCV001456001.6), dbSNP rs2118355498, ClinGen allele CA2573143647.